The following is an entry in ClinVar:

NM_001367943.1(TCF7L2):c.1535C>G (p.Pro512Arg)

Gene: TCF7L2 (transcription factor 7 like 2; plus strand). Cytogenetic location: 10q25.3.
Variant type: single nucleotide variant.
Coding change: c.1535C>G on transcript NM_001367943.1 (MANE Select); coding-DNA position 1535, C replaced by G.
Protein change: p.Pro512Arg; replaces proline 512 with arginine.
Molecular consequence: missense variant. On other transcripts: 3 prime UTR variant (12).
Genome position (GRCh38, 1-based): chr10:113,165,647, C>G. VCF-style: chr10-113165647-C-G. GRCh37 (hg19) VCF-style: chr10-114925406-C-G.
Other names: c.1484C>G, p.Pro495Arg (NM_001146274.2); c.*13C>G (NM_001146283.2, NM_001146284.2, NM_001146286.2 and 4 more transcripts); c.1415C>G, p.Pro472Arg (NM_001146285.2, NM_001198526.2); c.*123C>G (NM_001198525.2); c.*111C>G (NM_001198527.2, NM_001198528.2, NM_001349870.2 and 1 more transcripts); c.1466C>G, p.Pro489Arg (NM_030756.5); short protein forms P472R, P495R, P489R, P512R.
Identifiers: ClinVar variation 789033 (VCV000789033.32), dbSNP rs77673441, ClinGen allele CA5693268.
Genomic context (GRCh38, chr10:113,165,647, plus strand): 5'-GTGAAGGCAGCTGCCTCAGCCCACCCTCTTCAGATGGAAGCTTACTAGATTCGCCTCCCC[C>G]CTCCCCGAACCTGCTAGGCTCCCCTCCCCGAGACGCCAAGTCACAGACTGAGCAGACCCA-3'
Protein context (NP_001354872.1, residues 502-522): SDGSLLDSPP[Pro512Arg]SPNLLGSPPR

ClinVar aggregate classification (germline): Likely benign. Review status: criteria provided, multiple submitters, no conflicts (2 of 4 stars). 3 submissions from 3 submitters: Likely benign (3). Last evaluated 2026-06-01.

Allele frequency attached by ClinVar (database versions not stated): 1000 Genomes Project 0.00260; 1000 Genomes Project 30x 0.00281; ESP Exome Variant Server 0.00454.
gnomAD v4.1: 9,405 of 1,612,206 alleles (0.58%); highest among the groups gnomAD compares: Non-Finnish European, 0.71%; 29 homozygotes.

Submissions (3):

CeGaT Center for Human Genetics Tuebingen
Classification: Likely benign. Last evaluated: 2026-06-01. Review status: criteria provided, single submitter. Criteria: CeGaT Center For Human Genetics Tuebingen Variant Classification Criteria Version 2. Collection method: clinical testing. Allele origin: germline. Affected: yes. Observed: 17 variant alleles.
Comment: TCF7L2: BS2

Labcorp Genetics (formerly Invitae), Labcorp
Classification: Likely benign. Last evaluated: 2019-12-31. Review status: criteria provided, single submitter. Criteria: Invitae Variant Classification Sherloc (09022015). Collection method: clinical testing. Allele origin: germline.

Breakthrough Genomics
Classification: Likely benign. Review status: criteria provided, single submitter. Criteria: ACMG Guidelines, 2015. Collection method: not provided. Allele origin: germline. Inheritance: Autosomal dominant inheritance. Affected: yes.